The following is an entry in ClinVar:

ClinVar aggregate classification (germline): Uncertain significance (1 of 4 stars; one submission).

Allele frequency attached by ClinVar (database versions not stated): gnomAD exomes below 0.00001; TOPMed below 0.00001.
gnomAD v4.1: 1 of 1,614,080 alleles (0.000062%); highest among the groups gnomAD compares: African/African-American, 0.0013%; no homozygotes.

Submission:

Ambry Genetics
Classification: Uncertain significance. Last evaluated: 2023-12-02. Review status: criteria provided, single submitter. Criteria: Ambry Variant Classification Scheme 2023. Collection method: clinical testing. Allele origin: germline.
Comment: The p.L675V variant (also known as c.2023T>G), located in coding exon 18 of the BUB1 gene, results from a T to G substitution at nucleotide position 2023. The leucine at codon 675 is replaced by valine, an amino acid with highly similar properties. This amino acid position is conserved. In addition, this alteration is predicted to be tolerated by in silico analysis. Since supporting evidence is limited at this time, the clinical significance of this alteration remains unclear.

NM_004336.5(BUB1):c.2023T>G (p.Leu675Val)

Gene: BUB1 (BUB1 mitotic checkpoint serine/threonine kinase; minus strand). Cytogenetic location: 2q13.
Variant type: single nucleotide variant.
Coding change: c.2023T>G on transcript NM_004336.5 (MANE Select); coding-DNA position 2023, T replaced by G.
Protein change: p.Leu675Val; replaces leucine 675 with valine.
Molecular consequence: missense variant.
Genome position (GRCh38, 1-based): chr2:110,650,726, A>C on the plus strand (T>G on the coding strand, the complement: BUB1 is on the minus strand). VCF-style: chr2-110650726-A-C. GRCh37 (hg19) VCF-style: chr2-111408303-A-C.
Other names: c.1963T>G, p.Leu655Val (NM_001278616.2); c.2023T>G, p.Leu675Val (NM_001278617.2); short protein forms L655V, L675V.
Identifiers: ClinVar variation 1784616 (VCV001784616.2), dbSNP rs1689762988, ClinGen allele CA348210057.
Genomic context (GRCh38, chr2:110,650,726, plus strand): 5'-CGCCCAACTCTGCCTCACAGGTAAGTACCCCACCTGCAGCAGGCTGGCTCAGACGAAGTA[A>C]GGATGCTGAATACATGTGAGACGACAAGGCCTGTTTTGGGCTTTTCTCTTGAATTGGACT-3'
Protein context (NP_004327.1, residues 665-685): ALSSHMYSAS[Leu675Val]LRLSQPAAGG